The following is an entry in ClinVar:

ClinVar aggregate classification (germline): Benign (1 of 4 stars; one submission).

Conditions:
Retinoblastoma (RB1). Also called: RETINOBLASTOMA, SOMATIC. Identifiers: Orphanet 790, MedGen C0035335, MeSH D012175, MONDO:0008380, OMIM 180200, HP:0009919. Disease mechanism: loss of function. Inheritance: Both sporadic and heritable forms are tested..

Submission:

Myriad Genetics, Inc.
Classification: Benign for Retinoblastoma. Last evaluated: 2026-06-24. Review status: criteria provided, single submitter. Criteria: Myriad Autosomal Dominant, Autosomal Recessive and X-Linked Classification Criteria (2023). Collection method: clinical testing. Allele origin: unknown.
Comment: This variant is considered benign. This variant is intronic and is not expected to impact mRNA splicing.

NM_000321.3(RB1):c.1421+33dup

Gene: RB1 (RB transcriptional corepressor 1; plus strand). Cytogenetic location: 13q14.2.
Variant type: Duplication.
Coding change: c.1421+33dup on transcript NM_000321.3 (MANE Select); 33 bases into the intron after coding-DNA position 1421, one base duplicated (T; older notation c.1421+33dupT).
Molecular consequence: intron variant.
Genome position (GRCh38, 1-based): chr13:48,380,117, T duplicated; the last of 7 consecutive T bases (chr13:48,380,111-48,380,117); duplicating any one gives the same sequence. VCF-style (leftmost placement, unchanged base first): chr13-48380110-A-AT. GRCh37 (hg19) VCF-style: chr13-48954246-A-AT.
Other names: c.1421+33dup (NM_001407165.1, NM_001407166.1).
Identifiers: ClinVar variation 4875883 (VCV004875883.1).